The following is an entry in ClinVar:

ClinVar aggregate classification (germline): Likely pathogenic. Review status: criteria provided, single submitter (1 of 4 stars). 2 submissions from 2 submitters: Likely pathogenic (1). 1 of the submissions does not count toward it. Last evaluated 2020-09-17.

Conditions:
PHGDH deficiency. Identifiers: Orphanet 79351, MedGen C1866174, MONDO:0011152, OMIM 601815.

Allele frequency attached by ClinVar (database versions not stated): gnomAD exomes below 0.00001.
gnomAD v4.1: 2 of 1,614,078 alleles (0.00012%); highest among the groups gnomAD compares: Non-Finnish European, 0.00017%; no homozygotes.

Submissions (2):

Labcorp Genetics (formerly Invitae), Labcorp
Classification: Likely pathogenic for PHGDH deficiency. Last evaluated: 2020-09-17. Review status: criteria provided, single submitter. Criteria: Invitae Variant Classification Sherloc (09022015). Collection method: clinical testing. Allele origin: germline.
Comment: In summary, the currently available evidence indicates that the variant is pathogenic, but additional data are needed to prove that conclusively. Therefore, this variant has been classified as Likely Pathogenic. Donor and acceptor splice site variants typically lead to a loss of protein function (PMID: 16199547), and loss-of-function variants in PHGDH are known to be pathogenic (PMID: 14645240, 24836451). Algorithms developed to predict the effect of sequence changes on RNA splicing suggest that this variant may disrupt the consensus splice site, but this prediction has not been confirmed by published transcriptional studies. This variant has not been reported in the literature in individuals with PHGDH-related conditions. This variant is not present in population databases (ExAC no frequency). This sequence change affects an acceptor splice site in intron 5 of the PHGDH gene. It is expected to disrupt RNA splicing and likely results in an absent or disrupted protein product.

Natera, Inc.
Classification: Likely pathogenic for Phosphoglycerate dehydrogenase deficiency. Last evaluated: 2021-02-09. Review status: no assertion criteria provided. Collection method: clinical testing. Allele origin: germline. Not counted in ClinVar's aggregate classification.

Literature cited by the submitters: PubMed 16199547 (cited by Labcorp Genetics (formerly Invitae), Labcorp); PubMed 14645240 (cited by Labcorp Genetics (formerly Invitae), Labcorp); PubMed 24836451 (cited by Labcorp Genetics (formerly Invitae), Labcorp).

NM_006623.4(PHGDH):c.511-2A>G

Gene: PHGDH (phosphoglycerate dehydrogenase; plus strand). Cytogenetic location: 1p12.
Variant type: single nucleotide variant.
Coding change: c.511-2A>G on transcript NM_006623.4 (MANE Select); the canonical splice acceptor site of the intron before coding-DNA position 511, A replaced by G.
Molecular consequence: splice acceptor variant.
Genome position (GRCh38, 1-based): chr1:119,734,632, A>G. VCF-style: chr1-119734632-A-G. GRCh37 (hg19) VCF-style: chr1-120277255-A-G.
Identifiers: ClinVar variation 1066725 (VCV001066725.11), dbSNP rs2101195348, ClinGen allele CA341849724.